The following is an entry in ClinVar:

ClinVar aggregate classification (germline): Pathogenic (1 of 4 stars; one submission).

Conditions:
Beta-D-mannosidosis (MANSB). Also called: MANNOSIDOSIS, BETA A, LYSOSOMAL; BETA-MANNOSIDASE DEFICIENCY; LYSOSOMAL BETA-MANNOSIDASE DEFICIENCY; Beta-Mannosidosis. Identifiers: Orphanet 118, MedGen C4048196, MONDO:0009562, OMIM 248510.

Allele frequency attached by ClinVar (database versions not stated): gnomAD 0.00001; gnomAD exomes below 0.00001; TOPMed 0.00001.
gnomAD v4.1: 2 of 1,591,974 alleles (0.00013%); highest among the groups gnomAD compares: Non-Finnish European, 0.00017%; no homozygotes.

Submission:

Labcorp Genetics (formerly Invitae), Labcorp
Classification: Pathogenic for Beta-D-mannosidosis. Last evaluated: 2025-03-05. Review status: criteria provided, single submitter. Criteria: Invitae Variant Classification Sherloc (09022015). Collection method: clinical testing. Allele origin: germline.
Comment: This sequence change creates a premature translational stop signal (p.Trp93*) in the MANBA gene. It is expected to result in an absent or disrupted protein product. Loss-of-function variants in MANBA are known to be pathogenic (PMID: 9384606, 12468273). This variant is present in population databases (no rsID available, gnomAD 0.007%). This variant has not been reported in the literature in individuals affected with MANBA-related conditions. ClinVar contains an entry for this variant (Variation ID: 1369625). For these reasons, this variant has been classified as Pathogenic.

Literature cited by the submitters: PubMed 9384606; PubMed 12468273.

NM_005908.4(MANBA):c.279G>A (p.Trp93Ter)

Gene: MANBA (mannosidase beta; minus strand). Cytogenetic location: 4q24.
Variant type: single nucleotide variant.
Coding change: c.279G>A on transcript NM_005908.4 (MANE Select); coding-DNA position 279, G replaced by A.
Protein change: p.Trp93Ter; replaces tryptophan 93 with a stop codon.
Molecular consequence: nonsense.
Genome position (GRCh38, 1-based): chr4:102,723,961, C>T on the plus strand (G>A on the coding strand, the complement: MANBA is on the minus strand). VCF-style: chr4-102723961-C-T. GRCh37 (hg19) VCF-style: chr4-103645118-C-T.
Other names: short protein forms W93*.
Identifiers: ClinVar variation 1369625 (VCV001369625.6), dbSNP rs1035305358, ClinGen allele CA103130110.